The following is an entry in ClinVar:

ClinVar aggregate classification (germline): Benign/Likely benign. Review status: criteria provided, multiple submitters, no conflicts (2 of 4 stars). 5 submissions from 5 submitters: Benign (2); Likely benign (3). Last evaluated 2026-04-06.

Conditions:
Ullrich congenital muscular dystrophy 2 (UCMD2). Identifiers: Orphanet 75840, MedGen C4225314, MONDO:0014654, OMIM 616470.
Bethlem myopathy 2 (BTHLM2). Identifiers: Orphanet 536516, Orphanet 610, MedGen C4225313, MONDO:0034022, OMIM 616471.

Allele frequency attached by ClinVar (database versions not stated): gnomAD exomes 0.00105; ExAC 0.00129; 1000 Genomes Project 0.00399; 1000 Genomes Project 30x 0.00406; gnomAD 0.00472 and 0.00499; ESP Exome Variant Server 0.00501; TOPMed 0.00507.
gnomAD v4.1: 1,350 of 1,614,036 alleles (0.084%); highest among the groups gnomAD compares: African/African-American, 1.5%; 11 homozygotes.

Submissions (5):

Women's Health and Genetics/Laboratory Corporation of America, LabCorp
Classification: Likely benign. Last evaluated: 2026-04-06. Review status: criteria provided, single submitter. Criteria: LabCorp Variant Classification Summary - May 2015. Collection method: clinical testing. Allele origin: germline.

Labcorp Genetics (formerly Invitae), Labcorp
Classification: Benign for Bethlem myopathy 2; Ullrich congenital muscular dystrophy 2. Last evaluated: 2026-02-01. Review status: criteria provided, single submitter. Criteria: Invitae Variant Classification Sherloc (09022015). Collection method: clinical testing. Allele origin: germline.

Mayo Clinic Laboratories, Mayo Clinic
Classification: Benign. Last evaluated: 2025-07-17. Review status: criteria provided, single submitter. Criteria: ACMG Guidelines, 2015. Collection method: clinical testing. Allele origin: germline. Observed: 8 variant alleles.
Comment: BS1, BS2, BP4, BP7

GeneDx
Classification: Likely benign. Last evaluated: 2020-11-24. Review status: criteria provided, single submitter. Criteria: GeneDx Variant Classification Process June 2021. Collection method: clinical testing. Allele origin: germline. Affected: yes.

Breakthrough Genomics
Classification: Likely benign. Review status: criteria provided, single submitter. Criteria: ACMG Guidelines, 2015. Collection method: not provided. Allele origin: germline. Inheritance: Autosomal recessive inheritance. Affected: yes.

NM_004370.6(COL12A1):c.4917C>T (p.Asp1639=)

Gene: COL12A1 (collagen type XII alpha 1 chain; minus strand). Cytogenetic location: 6q13.
Variant type: single nucleotide variant.
Coding change: c.4917C>T on transcript NM_004370.6 (MANE Select); coding-DNA position 4917, C replaced by T.
Protein change: p.Asp1639=; no amino-acid change (aspartic acid 1639 retained).
Molecular consequence: synonymous variant.
Genome position (GRCh38, 1-based): chr6:75,142,072, G>A on the plus strand (C>T on the coding strand, the complement: COL12A1 is on the minus strand). VCF-style: chr6-75142072-G-A. GRCh37 (hg19) VCF-style: chr6-75851788-G-A.
Other names: p.Asp1639=; c.1425C>T, p.Asp475= (NM_080645.3).
Identifiers: ClinVar variation 475868 (VCV000475868.20), dbSNP rs80102965, ClinGen allele CA3893311.